The following is an entry in ClinVar:

ClinVar aggregate classification (germline): Uncertain significance (1 of 4 stars; one submission).

Conditions:
Hereditary cancer-predisposing syndrome. Also called: Neoplastic Syndromes, Hereditary; Tumor predisposition; Hereditary Cancer Syndrome; Hereditary neoplastic syndrome. Identifiers: Orphanet 140162, MedGen C0027672, MeSH D009386, MONDO:0015356.

Submission:

Ambry Genetics
Classification: Uncertain significance for Hereditary cancer-predisposing syndrome. Last evaluated: 2022-05-28. Review status: criteria provided, single submitter. Criteria: Ambry Variant Classification Scheme 2023. Collection method: clinical testing. Allele origin: germline.
Comment: The p.S2569T variant (also known as c.7706G>C), located in coding exon 15 of the APC gene, results from a G to C substitution at nucleotide position 7706. The serine at codon 2569 is replaced by threonine, an amino acid with similar properties. This amino acid position is conserved. In addition, in silico predictors for this gene do not accurately predict pathogenicity. Since supporting evidence is limited at this time, the clinical significance of this alteration remains unclear.

NM_000038.6(APC):c.7706G>C (p.Ser2569Thr)

Gene: APC (APC regulator of Wnt signaling pathway; plus strand). Cytogenetic location: 5q22.2.
Variant type: single nucleotide variant.
Coding change: c.7706G>C on transcript NM_000038.6 (MANE Select); coding-DNA position 7706, G replaced by C.
Protein change: p.Ser2569Thr; replaces serine 2569 with threonine.
Molecular consequence: missense variant.
Genome position (GRCh38, 1-based): chr5:112,843,300, G>C. VCF-style: chr5-112843300-G-C. GRCh37 (hg19) VCF-style: chr5-112178997-G-C.
Other names: c.7706G>C, p.Ser2569Thr (NM_001127510.3, NM_001354895.2, NM_001407450.1); c.7652G>C, p.Ser2551Thr (NM_001127511.3); c.7760G>C, p.Ser2587Thr (NM_001354896.2, NM_001407447.1, NM_001407448.1 and 1 more transcripts); c.7736G>C, p.Ser2579Thr (NM_001354897.2); c.7631G>C, p.Ser2544Thr (NM_001354898.2); c.7622G>C, p.Ser2541Thr (NM_001354899.2); c.7583G>C, p.Ser2528Thr (NM_001354900.2); c.7529G>C, p.Ser2510Thr (NM_001354901.2, NM_001407453.1); and 11 more; short protein forms S2443T, S2478T, S2528T, S2544T, S2559T, S2440T, S2468T, S2510T.
Identifiers: ClinVar variation 1760236 (VCV001760236.2), dbSNP rs2149992270, ClinGen allele CA16038070.